The following is an entry in ClinVar:

NM_005560.6(LAMA5):c.5002C>T (p.Gln1668Ter)

Gene: LAMA5 (laminin subunit alpha 5; minus strand). Cytogenetic location: 20q13.33.
Variant type: single nucleotide variant.
Coding change: c.5002C>T on transcript NM_005560.6 (MANE Select); coding-DNA position 5002, C replaced by T.
Protein change: p.Gln1668Ter; replaces glutamine 1668 with a stop codon.
Molecular consequence: nonsense.
Genome position (GRCh38, 1-based): chr20:62,327,343, G>A on the plus strand (C>T on the coding strand, the complement: LAMA5 is on the minus strand). VCF-style: chr20-62327343-G-A. GRCh37 (hg19) VCF-style: chr20-60902399-G-A.
Other names: short protein forms Q1668*.
Identifiers: ClinVar variation 2636560 (VCV002636560.2), dbSNP rs2516056673, ClinGen allele CA409564547.

ClinVar aggregate classification (germline): Uncertain significance (1 of 4 stars; one submission).

Conditions:
LAMA5-related disorder. Also called: LAMA5-related condition; LAMA5-Related Disorders.

Submission:

PreventionGenetics, part of Exact Sciences
Classification: Uncertain significance for LAMA5-related condition. Last evaluated: 2025-08-15. Review status: criteria provided, single submitter. Criteria: ACMG Guidelines, 2015. Collection method: clinical testing. Allele origin: germline.
Comment: The LAMA5 c.5002C>T variant is predicted to result in premature protein termination (p.Gln1668*). To our knowledge, this variant has not been reported in the literature or in a large population database (gnomAD), indicating this variant is rare. At this time, the clinical significance of this variant is uncertain due to the absence of conclusive functional and genetic evidence.